The following is an entry in ClinVar:

NM_001162501.2(TNRC6B):c.2864C>T (p.Pro955Leu)

Gene: TNRC6B (trinucleotide repeat containing adaptor 6B; plus strand). Cytogenetic location: 22q13.1.
Variant type: single nucleotide variant.
Coding change: c.2864C>T on transcript NM_001162501.2 (MANE Select); coding-DNA position 2864, C replaced by T.
Protein change: p.Pro955Leu; replaces proline 955 with leucine.
Molecular consequence: missense variant. On other transcripts: intron variant (1).
Genome position (GRCh38, 1-based): chr22:40,270,179, C>T. VCF-style: chr22-40270179-C-T. GRCh37 (hg19) VCF-style: chr22-40666183-C-T.
Other names: c.623C>T, p.Pro208Leu (NM_001024843.2); c.2806+3143C>T (NM_015088.3); short protein forms P955L, P208L.
Identifiers: ClinVar variation 2331749 (VCV002331749.3), dbSNP rs1371965927, ClinGen allele CA411641460.
Genomic context (GRCh38, chr22:40,270,179, plus strand): 5'-TAGTCTGGAGCAAAAGCACACCACCTGCTCCAGATAATGGTACTTCCGCTTGGGGTGAGC[C>T]AAATGAAAGCAGTCCTGGGTGGGGCGAGATGGATGATACAGGAGCATCGACCACAGGCTG-3'
Protein context (NP_001155973.1, residues 945-965): PDNGTSAWGE[Pro955Leu]NESSPGWGEM

ClinVar aggregate classification (germline): Uncertain significance (1 of 4 stars; one submission).

Conditions:
Inborn genetic diseases. Identifiers: MedGen C0950123, MeSH D030342.

Allele frequency attached by ClinVar (database versions not stated): TOPMed 0.00001.

Submission:

Ambry Genetics
Classification: Uncertain significance for Inborn genetic diseases. Last evaluated: 2023-01-12. Review status: criteria provided, single submitter. Criteria: Ambry Variant Classification Scheme 2023. Collection method: clinical testing. Allele origin: germline.
Comment: The c.2864C>T (p.P955L) alteration is located in exon 6 (coding exon 6) of the TNRC6B gene. This alteration results from a C to T substitution at nucleotide position 2864, causing the proline (P) at amino acid position 955 to be replaced by a leucine (L). This variant was not reported in population-based cohorts in the Genome Aggregation Database (gnomAD). This amino acid position is well conserved in available vertebrate species. The in silico prediction for this alteration is inconclusive. Based on insufficient or conflicting evidence, the clinical significance of this alteration remains unclear.